The following is an entry in ClinVar:

ClinVar aggregate classification (germline): Uncertain significance (1 of 4 stars; one submission).

Conditions:
Cardiovascular phenotype. Identifiers: MedGen CN230736.

Allele frequency attached by ClinVar (database versions not stated): gnomAD 0.00001.
gnomAD v4.1: 2 of 1,614,080 alleles (0.00012%); highest among the groups gnomAD compares: African/African-American, 0.0027%; no homozygotes.

Submission:

Ambry Genetics
Classification: Uncertain significance for Cardiovascular phenotype. Last evaluated: 2021-04-20. Review status: criteria provided, single submitter. Criteria: Ambry Variant Classification Scheme 2023. Collection method: clinical testing. Allele origin: germline.
Comment: The p.T239I variant (also known as c.716C>T), located in coding exon 6 of the RAF1 gene, results from a C to T substitution at nucleotide position 716. The threonine at codon 239 is replaced by isoleucine, an amino acid with similar properties. This amino acid position is not well conserved in available vertebrate species. In addition, this alteration is predicted to be tolerated by in silico analysis. Since supporting evidence is limited at this time, the clinical significance of this alteration remains unclear.

NM_002880.4(RAF1):c.716C>T (p.Thr239Ile)

Gene: RAF1 (Raf-1 proto-oncogene, serine/threonine kinase; minus strand). Cytogenetic location: 3p25.2.
Variant type: single nucleotide variant.
Coding change: c.716C>T on transcript NM_002880.4 (MANE Select); coding-DNA position 716, C replaced by T.
Protein change: p.Thr239Ile; replaces threonine 239 with isoleucine.
Molecular consequence: missense variant. On other transcripts: non-coding transcript variant (3).
Genome position (GRCh38, 1-based): chr3:12,604,254, G>A on the plus strand (C>T on the coding strand, the complement: RAF1 is on the minus strand). VCF-style: chr3-12604254-G-A. GRCh37 (hg19) VCF-style: chr3-12645753-G-A.
Other names: c.716C>T, p.Thr239Ile (NM_001354689.3, NM_001354690.3); c.473C>T, p.Thr158Ile (NM_001354691.3, NM_001354692.3, NM_001354694.3); c.617C>T, p.Thr206Ile (NM_001354693.3); c.374C>T, p.Thr125Ile (NM_001354695.3); short protein forms T239I, T206I, T125I, T158I.
Identifiers: ClinVar variation 1757468 (VCV001757468.2), dbSNP rs1420447349, ClinGen allele CA351513001.
Genomic context (GRCh38, chr3:12,604,254, plus strand): 5'-GATGTCGACCTCTGCCTCTGGGAGAGGGAACCTTCAGATGAGGGACTGGAGGTGTTAAAG[G>A]TGAAGGCGTGAGGTGTAGAATATCTGTGCTGAGAACTAGGAGGAGAAAGAAAATTCCATG-3'
Protein context (NP_002871.1, residues 229-249): QHRYSTPHAF[Thr239Ile]FNTSSPSSEG